The following is an entry in ClinVar:

ClinVar aggregate classification (germline): Uncertain significance (1 of 4 stars; one submission).

Submission:

GeneDx
Classification: Uncertain significance. Last evaluated: 2025-05-19. Review status: criteria provided, single submitter. Criteria: GeneDx Variant Classification Process June 2021. Collection method: clinical testing. Allele origin: germline. Affected: yes.
Comment: In silico analysis supports that this missense variant has a deleterious effect on protein structure/function; Has not been previously published as pathogenic or benign to our knowledge

NM_000217.3(KCNA1):c.1358A>G (p.Glu453Gly)

Gene: KCNA1 (potassium voltage-gated channel subfamily A member 1; plus strand). Cytogenetic location: 12p13.32.
Variant type: single nucleotide variant.
Coding change: c.1358A>G on transcript NM_000217.3 (MANE Select); coding-DNA position 1358, A replaced by G.
Protein change: p.Glu453Gly; replaces glutamic acid 453 with glycine.
Molecular consequence: missense variant.
Genome position (GRCh38, 1-based): chr12:4,912,736, A>G. VCF-style: chr12-4912736-A-G. GRCh37 (hg19) VCF-style: chr12-5021902-A-G.
Other names: short protein forms E453G.
Identifiers: ClinVar variation 4530883 (VCV004530883.1).